The following is an entry in ClinVar:

NM_001113378.2(FANCI):c.2495T>G (p.Leu832Arg)

Gene: FANCI (FA complementation group I; plus strand). Cytogenetic location: 15q26.1.
Variant type: single nucleotide variant.
Coding change: c.2495T>G on transcript NM_001113378.2 (MANE Select); coding-DNA position 2495, T replaced by G.
Protein change: p.Leu832Arg; replaces leucine 832 with arginine.
Molecular consequence: missense variant. On other transcripts: intron variant (1).
Genome position (GRCh38, 1-based): chr15:89,294,953, T>G. VCF-style: chr15-89294953-T-G. GRCh37 (hg19) VCF-style: chr15-89838184-T-G.
Other names: c.2216T>G, p.Leu739Arg (NM_001376910.1); c.2495T>G, p.Leu832Arg (NM_001376911.1); c.2456+956T>G (NM_018193.3); short protein forms L739R, L832R.
Identifiers: ClinVar variation 4535661 (VCV004535661.1).

ClinVar aggregate classification (germline): Uncertain significance (1 of 4 stars; one submission).

Submission:

Women's Health and Genetics/Laboratory Corporation of America, LabCorp
Classification: Uncertain significance. Last evaluated: 2025-09-09. Review status: criteria provided, single submitter. Criteria: LabCorp Variant Classification Summary - May 2015. Collection method: clinical testing. Allele origin: germline.
Comment: Variant summary: FANCI c.2495T>G (p.Leu832Arg) results in a non-conservative amino acid change in the encoded protein sequence. Algorithms developed to predict the effect of missense changes on protein structure and function all suggest that this variant is likely to be disruptive. The variant was absent in 158918 control chromosomes. The available data on variant occurrences in the general population are insufficient to allow any conclusion about variant significance. c.2495T>G has been observed in one individual affected with Fanconi Anemia (Chang_2023). These data do not allow any conclusion about variant significance. To our knowledge, no experimental evidence demonstrating an impact on protein function has been reported. The following publication has been ascertained in the context of this evaluation (PMID: 36463940). No submitters have cited clinical-significance assessments for this variant to ClinVar. Based on the evidence outlined above, the variant was classified as uncertain significance.

Literature cited by the submitters: PubMed 36463940.